The following is an entry in ClinVar:

NM_001961.4(EEF2):c.132C>T (p.Gly44=)

Gene: EEF2 (eukaryotic translation elongation factor 2; minus strand). Cytogenetic location: 19p13.3.
Variant type: single nucleotide variant.
Coding change: c.132C>T on transcript NM_001961.4 (MANE Select); coding-DNA position 132, C replaced by T.
Protein change: p.Gly44=; no amino-acid change (glycine 44 retained).
Molecular consequence: synonymous variant.
Genome position (GRCh38, 1-based): chr19:3,984,222, G>A on the plus strand (C>T on the coding strand, the complement: EEF2 is on the minus strand). VCF-style: chr19-3984222-G-A. GRCh37 (hg19) VCF-style: chr19-3984220-G-A.
Identifiers: ClinVar variation 2649023 (VCV002649023.24), dbSNP rs758482203, ClinGen allele CA9089534.

ClinVar aggregate classification (germline): Likely benign (1 of 4 stars; one submission).

Allele frequency attached by ClinVar (database versions not stated): ExAC 0.00001; gnomAD exomes 0.00001; gnomAD 0.00002; TOPMed 0.00005.
gnomAD v4.1: 12 of 1,614,016 alleles (0.00074%); highest among the groups gnomAD compares: African/African-American, 0.0013%; no homozygotes.

Submission:

CeGaT Center for Human Genetics Tuebingen
Classification: Likely benign. Last evaluated: 2022-11-01. Review status: criteria provided, single submitter. Criteria: CeGaT Center For Human Genetics Tuebingen Variant Classification Criteria Version 2. Collection method: clinical testing. Allele origin: germline. Affected: yes. Observed: 1 variant allele.
Comment: EEF2: BP4, BP7